The following is an entry in ClinVar:

NM_000551.4(VHL):c.340+700C>T

Genes: VHL (von Hippel-Lindau tumor suppressor; plus strand), LOC107303340 (3p25 von Hippel-Lindau tumor suppressor, E3 ubiquitin protein ligase Alu-mediated recombination region; plus strand). Cytogenetic location: 3p25.3.
Variant type: single nucleotide variant.
Coding change: c.340+700C>T on transcript NM_000551.4 (MANE Select); 700 bases into the intron after coding-DNA position 340, C replaced by T.
Molecular consequence: intron variant. On other transcripts: synonymous variant (1), non-coding transcript variant (1).
Genome position (GRCh38, 1-based): chr3:10,142,887, C>T. VCF-style: chr3-10142887-C-T. GRCh37 (hg19) VCF-style: chr3-10184571-C-T.
Other names: c.465C>T, p.Ala155= (NM_001354723.2); c.340+700C>T (NM_198156.3).
Identifiers: ClinVar variation 3751415 (VCV003751415.2).

ClinVar aggregate classification (germline): Uncertain significance (1 of 4 stars; one submission).

Conditions:
Chuvash polycythemia. Also called: POLYCYTHEMIA, VHL-DEPENDENT. Identifiers: Orphanet 238557, MedGen C1837915, MONDO:0009892, OMIM 263400.
Von Hippel-Lindau syndrome (VHLS). Also called: VHL syndrome; von Hippel–Lindau syndrome; Von Hippel-Lindau. Identifiers: Orphanet 892, MedGen C0019562, MONDO:0008667, OMIM 193300. Disease mechanism: loss of function.

Submission:

Labcorp Genetics (formerly Invitae), Labcorp
Classification: Uncertain significance for Von Hippel-Lindau syndrome; Chuvash polycythemia. Last evaluated: 2024-08-31. Review status: criteria provided, single submitter. Criteria: Invitae Variant Classification Sherloc (09022015). Collection method: clinical testing. Allele origin: germline.
Comment: This sequence change falls in intron 1 of the VHL gene. It is not expected to change the encoded amino acid sequence of the VHL protein. However, this sequence change falls within a cryptic exon in the VHL gene, known as exon E1’, which is naturally expressed at low levels in several human tissues (PMID: 29891534). This variant is not present in population databases (gnomAD no frequency). This variant has not been reported in the literature in individuals affected with VHL-related conditions. Algorithms developed to predict the effect of sequence changes on RNA splicing suggest that this variant is not likely to affect RNA splicing. In summary, the available evidence is currently insufficient to determine the role of this variant in disease. Therefore, it has been classified as a Variant of Uncertain Significance.

Literature cited by the submitters: PubMed 29891534.